The following is an entry in ClinVar:

NM_031229.4(RBCK1):c.757C>T (p.Arg253Trp)

Gene: RBCK1 (RANBP2-type and C3HC4-type zinc finger containing 1; plus strand). Cytogenetic location: 20p13.
Variant type: single nucleotide variant.
Coding change: c.757C>T on transcript NM_031229.4 (MANE Select); coding-DNA position 757, C replaced by T.
Protein change: p.Arg253Trp; replaces arginine 253 with tryptophan.
Molecular consequence: missense variant. On other transcripts: non-coding transcript variant (1), intron variant (2).
Genome position (GRCh38, 1-based): chr20:420,871, C>T. VCF-style: chr20-420871-C-T. GRCh37 (hg19) VCF-style: chr20-401515-C-T.
Other names: c.757C>T (NM_031229.2); c.631C>T, p.Arg211Trp (NM_006462.6); c.407+1140C>T (NM_001323956.2, NM_001323958.2); short protein forms R211W, R253W.
Identifiers: ClinVar variation 936223 (VCV000936223.8), dbSNP rs867822612, ClinGen allele CA310620644.

ClinVar aggregate classification (germline): Uncertain significance. Review status: criteria provided, multiple submitters, no conflicts (2 of 4 stars). 2 submissions from 2 submitters: Uncertain significance (2). Last evaluated 2025-06-23.

Conditions:
Inborn genetic diseases. Identifiers: MedGen C0950123, MeSH D030342.
Polyglucosan body myopathy type 1 (PGBM1). Also called: Polyglucosan body myopathy 1 with or without immunodeficiency; POLYGLUCOSAN BODY MYOPATHY WITHOUT IMMUNODEFICIENCY. Identifiers: Orphanet 329173, Orphanet 397937, MedGen C4014605, MONDO:0014389, OMIM 615895.

Allele frequency attached by ClinVar (database versions not stated): gnomAD exomes below 0.00001; TOPMed 0.00001.

Submissions (2):

Ambry Genetics
Classification: Uncertain significance for Inborn genetic diseases. Last evaluated: 2025-06-23. Review status: criteria provided, single submitter. Criteria: Ambry Variant Classification Scheme 2023. Collection method: clinical testing. Allele origin: germline.

Labcorp Genetics (formerly Invitae), Labcorp
Classification: Uncertain significance for Polyglucosan body myopathy type 1. Last evaluated: 2022-03-18. Review status: criteria provided, single submitter. Criteria: Invitae Variant Classification Sherloc (09022015). Collection method: clinical testing. Allele origin: germline.
Comment: This sequence change replaces arginine, which is basic and polar, with tryptophan, which is neutral and slightly polar, at codon 253 of the RBCK1 protein (p.Arg253Trp). This variant is not present in population databases (gnomAD no frequency). This variant has not been reported in the literature in individuals affected with RBCK1-related conditions. ClinVar contains an entry for this variant (Variation ID: 936223). Algorithms developed to predict the effect of missense changes on protein structure and function are either unavailable or do not agree on the potential impact of this missense change (SIFT: "Not Available"; PolyPhen-2: "Possibly Damaging"; Align-GVGD: "Not Available"). In summary, the available evidence is currently insufficient to determine the role of this variant in disease. Therefore, it has been classified as a Variant of Uncertain Significance.